The following is an entry in ClinVar:

NM_000552.5(VWF):c.6890C>T (p.Pro2297Leu)

Gene: VWF (von Willebrand factor; minus strand). Cytogenetic location: 12p13.31.
Variant type: single nucleotide variant.
Coding change: c.6890C>T on transcript NM_000552.5 (MANE Select); coding-DNA position 6890, C replaced by T.
Protein change: p.Pro2297Leu; replaces proline 2297 with leucine.
Molecular consequence: missense variant.
Genome position (GRCh38, 1-based): chr12:5,985,574, G>A on the plus strand (C>T on the coding strand, the complement: VWF is on the minus strand). VCF-style: chr12-5985574-G-A. GRCh37 (hg19) VCF-style: chr12-6094740-G-A.
Other names: c.6890C>T (NM_000552.3); short protein forms P2297L.
Identifiers: ClinVar variation 993251 (VCV000993251.6), dbSNP rs201372397, ClinGen allele CA6401871.

ClinVar aggregate classification (germline): Uncertain significance. Review status: criteria provided, multiple submitters, no conflicts (2 of 4 stars). 4 submissions from 4 submitters: Uncertain significance (4). Last evaluated 2026-06-30.

Conditions:
VWF-related disorder. Also called: VWF-related disorders; VWF-related condition.
Inborn genetic diseases. Identifiers: MedGen C0950123, MeSH D030342.

Allele frequency attached by ClinVar (database versions not stated): gnomAD exomes 0.00004; ExAC 0.00005; gnomAD 0.00007; TOPMed 0.00012.
gnomAD v4.1: 67 of 1,613,842 alleles (0.0042%); highest among the groups gnomAD compares: Admixed American, 0.013%; 1 homozygote.

Submissions (4):

PreventionGenetics, part of Exact Sciences
Classification: Uncertain significance for VWF-related condition. Last evaluated: 2026-06-30. Review status: criteria provided, single submitter. Criteria: ACMG Guidelines, 2015. Collection method: clinical testing. Allele origin: germline.
Comment: The VWF c.6890C>T variant is predicted to result in the amino acid substitution p.Pro2297Leu. This variant has been reported alone or with a second VWF variant in individuals with Von Willebrand disease or low von Willebrand factor levels with heavy menstrual bleeding (See for examples: Corrales et al. 2012. PubMed ID: 22315491; Fidalgo et al. 2016. PubMed ID: 26988807; Sadler et al. 2022. PubMed ID: 34807970). In one individual, this variant occurred along with a homozygous VWF variant (Fidalgo et al. 2016. PubMed ID: 26988807). This variant is reported in 0.0079% of alleles in individuals of European (non-Finnish) descent in gnomAD. At this time, the clinical significance of this variant is uncertain due to the absence of conclusive functional and genetic evidence.

Quest Diagnostics Nichols Institute San Juan Capistrano
Classification: Uncertain significance. Last evaluated: 2025-05-19. Review status: criteria provided, single submitter. Criteria: Quest Diagnostics criteria. Collection method: clinical testing. Allele origin: unknown.
Comment: The VWF c.6890C>T (p.Pro2297Leu) variant has been reported in the published literature in an individual affected with type 1 von Willebrand disease (VWD) (Hemobase and PMID: 22315491 (2012)). It has also been reported in an individual affected with type 2N VWD, who was also homozygous for a pathogenic VWF variant (PMID: 26988807 (2016)), which suggests this variant was not associated with the disease phenotype. The frequency of this variant in the general population (Genome Aggregation Database) is uninformative in the assessment of its pathogenicity. Analysis of this variant using bioinformatics tools for the prediction of the effect of amino acid changes on protein structure and function yielded predictions that this variant is damaging. Based on the available information, we are unable to determine the clinical significance of this variant.

Ambry Genetics
Classification: Uncertain significance for Inborn genetic diseases. Last evaluated: 2025-04-11. Review status: criteria provided, single submitter. Criteria: Ambry Variant Classification Scheme 2023. Collection method: clinical testing. Allele origin: germline.
Comment: The c.6890C>T (p.P2297L) alteration is located in exon 39 (coding exon 38) of the VWF gene. This alteration results from a C to T substitution at nucleotide position 6890, causing the proline (P) at amino acid position 2297 to be replaced by a leucine (L). Based on data from gnomAD, the T allele has an overall frequency of 0.004% (10/250608) total alleles studied. The highest observed frequency was 0.008% (9/113428) of European (non-Finnish) alleles. This variant was reported as heterozygous in an individual with features consistent with Von Willebrand disease (Corrales, 2012). This amino acid position is not well conserved in available vertebrate species. The in silico prediction for this alteration is inconclusive. Based on insufficient or conflicting evidence, the clinical significance of this alteration remains unclear.

Women's Health and Genetics/Laboratory Corporation of America, LabCorp
Classification: Uncertain significance. Last evaluated: 2023-08-17. Review status: criteria provided, single submitter. Criteria: LabCorp Variant Classification Summary - May 2015. Collection method: clinical testing. Allele origin: germline.
Comment: Variant summary: VWF c.6890C>T (p.Pro2297Leu) results in a non-conservative amino acid change located in the VWFC domain (IPR001007) of the encoded protein sequence. Four of five in-silico tools predict a damaging effect of the variant on protein function. The variant allele was found at a frequency of 4e-05 in 250608 control chromosomes (gnomAD). c.6890C>T has been reported in the literature in individuals affected with Von Willebrand Disease without strong evidence of causality (Corrales_2012, Fidalgo_2016). These reports do not provide unequivocal conclusions about association of the variant with Von Willebrand Disease. Co-occurrence with another pathogenic variant has been reported (VWF c.2561G>A, p.Arg854Gln, Fidalgo_2016), providing supporting evidence for a benign role. To our knowledge, no experimental evidence demonstrating an impact on protein function has been reported. The following publications have been ascertained in the context of this evaluation (PMID: 22315491, 26988807, 34807970). One submitter has cited a clinical-significance assessment for this variant to ClinVar after 2014 and has classified the variant as uncertain significance. Based on the evidence outlined above, the variant was classified as uncertain significance.

Literature cited by the submitters: PubMed 37647632 (cited by Quest Diagnostics Nichols Institute San Juan Capistrano); PubMed 22315491 (cited by 3 submitters); PubMed 26988807 (cited by Quest Diagnostics Nichols Institute San Juan Capistrano and Women's Health and Genetics/Laboratory Corporation of America, LabCorp); PubMed 34807970 (cited by Women's Health and Genetics/Laboratory Corporation of America, LabCorp).